The following is an entry in ClinVar:

NM_001330260.2(SCN8A):c.1938C>T (p.Asn646=)

Gene: SCN8A (sodium voltage-gated channel alpha subunit 8; plus strand). Cytogenetic location: 12q13.13.
Variant type: single nucleotide variant.
Coding change: c.1938C>T on transcript NM_001330260.2 (MANE Select); coding-DNA position 1938, C replaced by T.
Protein change: p.Asn646=; no amino-acid change (asparagine 646 retained).
Molecular consequence: synonymous variant.
Genome position (GRCh38, 1-based): chr12:51,721,848, C>T. VCF-style: chr12-51721848-C-T. GRCh37 (hg19) VCF-style: chr12-52115632-C-T.
Other names: c.1938C>T, p.Asn646= (NM_001177984.3, NM_001369788.1, NM_014191.4).
Identifiers: ClinVar variation 1919109 (VCV001919109.18), dbSNP rs186183096, ClinGen allele CA6571365.

ClinVar aggregate classification (germline): Likely benign. Review status: criteria provided, multiple submitters, no conflicts (2 of 4 stars). 2 submissions from 2 submitters: Likely benign (2). Last evaluated 2025-02-13.

Conditions:
Early-infantile DEE. Also called: Early infantile epileptic encephalopathy with suppression bursts; Ohtahara syndrome; Early infantile epileptic encephalopathy. Identifiers: Orphanet 1934, MedGen C0393706, MONDO:0800491.

Allele frequency attached by ClinVar (database versions not stated): ExAC 0.00001; gnomAD 0.00001; TOPMed 0.00001; ESP Exome Variant Server 0.00008; 1000 Genomes Project 30x 0.00016; 1000 Genomes Project 0.00020.
gnomAD v4.1: 13 of 1,604,270 alleles (0.00081%); highest among the groups gnomAD compares: East Asian, 0.0067%; no homozygotes.

Submissions (2):

Labcorp Genetics (formerly Invitae), Labcorp
Classification: Likely benign for Early-infantile DEE. Last evaluated: 2025-02-13. Review status: criteria provided, single submitter. Criteria: Invitae Variant Classification Sherloc (09022015). Collection method: clinical testing. Allele origin: germline.

CeGaT Center for Human Genetics Tuebingen
Classification: Likely benign. Last evaluated: 2024-11-01. Review status: criteria provided, single submitter. Criteria: CeGaT Center For Human Genetics Tuebingen Variant Classification Criteria Version 2. Collection method: clinical testing. Allele origin: germline. Affected: yes. Observed: 1 variant allele.
Comment: SCN8A: BP4, BP7